The following is an entry in ClinVar:

ClinVar aggregate classification (germline): Uncertain significance (1 of 4 stars; one submission).

Conditions:
Chédiak-Higashi syndrome (CHS). Also called: Chediak-Higashi Syndrome. Identifiers: Orphanet 167, MedGen C0007965, MONDO:0008963, OMIM 214500.

Allele frequency attached by ClinVar (database versions not stated): gnomAD 0.00001; ExAC 0.00002; TOPMed 0.00002.
gnomAD v4.1: 14 of 1,613,956 alleles (0.00087%); highest among the groups gnomAD compares: Admixed American, 0.0017%; no homozygotes.

Submission:

Labcorp Genetics (formerly Invitae), Labcorp
Classification: Uncertain significance for Chédiak-Higashi syndrome. Last evaluated: 2025-12-17. Review status: criteria provided, single submitter. Criteria: Invitae Variant Classification Sherloc (09022015). Collection method: clinical testing. Allele origin: germline.
Comment: This sequence change replaces arginine, which is basic and polar, with glutamine, which is neutral and polar, at codon 503 of the LYST protein (p.Arg503Gln). This variant is present in population databases (rs764492828, gnomAD 0.004%). This variant has not been reported in the literature in individuals affected with LYST-related conditions. ClinVar contains an entry for this variant (Variation ID: 1515657). Invitae Evidence Modeling of protein sequence and biophysical properties (such as structural, functional, and spatial information, amino acid conservation, physicochemical variation, residue mobility, and thermodynamic stability) indicates that this missense variant is not expected to disrupt LYST protein function with a negative predictive value of 80%. In summary, the available evidence is currently insufficient to determine the role of this variant in disease. Therefore, it has been classified as a Variant of Uncertain Significance.

NM_000081.4(LYST):c.1508G>A (p.Arg503Gln)

Gene: LYST (lysosomal trafficking regulator; minus strand). Cytogenetic location: 1q42.3.
Variant type: single nucleotide variant.
Coding change: c.1508G>A on transcript NM_000081.4 (MANE Select); coding-DNA position 1508, G replaced by A.
Protein change: p.Arg503Gln; replaces arginine 503 with glutamine.
Molecular consequence: missense variant.
Genome position (GRCh38, 1-based): chr1:235,809,310, C>T on the plus strand (G>A on the coding strand, the complement: LYST is on the minus strand). VCF-style: chr1-235809310-C-T. GRCh37 (hg19) VCF-style: chr1-235972610-C-T.
Other names: c.1508G>A, p.Arg503Gln (NM_001301365.1); short protein forms R503Q.
Identifiers: ClinVar variation 1515657 (VCV001515657.6), dbSNP rs764492828, ClinGen allele CA1467459.